The following is an entry in ClinVar:

NM_001379500.1(COL18A1):c.1715C>G (p.Ala572Gly)

Gene: COL18A1 (collagen type XVIII alpha 1 chain; plus strand). Cytogenetic location: 21q22.3.
Variant type: single nucleotide variant.
Coding change: c.1715C>G on transcript NM_001379500.1 (MANE Select); coding-DNA position 1715, C replaced by G.
Protein change: p.Ala572Gly; replaces alanine 572 with glycine.
Molecular consequence: missense variant.
Genome position (GRCh38, 1-based): chr21:45,486,874, C>G. VCF-style: chr21-45486874-C-G. GRCh37 (hg19) VCF-style: chr21-46906788-C-G.
Other names: c.2255C>G, p.Ala752Gly (NM_030582.4); c.2960C>G, p.Ala987Gly (NM_130444.3); short protein forms A987G, A752G, A572G.
Identifiers: ClinVar variation 1359659 (VCV001359659.6), dbSNP rs944134774, ClinGen allele CA321918460.

ClinVar aggregate classification (germline): Uncertain significance (1 of 4 stars; one submission).

Allele frequency attached by ClinVar (database versions not stated): gnomAD exomes below 0.00001 and 0.00001; gnomAD 0.00002; TOPMed 0.00003.
gnomAD v4.1: 5 of 1,522,628 alleles (0.00033%); highest among the groups gnomAD compares: African/African-American, 0.0042%; no homozygotes.

Submission:

Labcorp Genetics (formerly Invitae), Labcorp
Classification: Uncertain significance. Last evaluated: 2021-08-09. Review status: criteria provided, single submitter. Criteria: Invitae Variant Classification Sherloc (09022015). Collection method: clinical testing. Allele origin: germline.
Comment: In summary, the available evidence is currently insufficient to determine the role of this variant in disease. Therefore, it has been classified as a Variant of Uncertain Significance. Experimental studies and prediction algorithms are not available or were not evaluated, and the functional significance of this variant is currently unknown. This variant has not been reported in the literature in individuals with COL18A1-related conditions. The frequency data for this variant in the population databases is considered unreliable, as metrics indicate insufficient coverage at this position in the ExAC database. This sequence change replaces alanine with glycine at codon 572 of the COL18A1 protein (p.Ala572Gly). There is a small physicochemical difference between alanine and glycine.